The following is an entry in ClinVar:

ClinVar aggregate classification (germline): Uncertain significance. Review status: criteria provided, multiple submitters, no conflicts (2 of 4 stars). 2 submissions from 2 submitters: Uncertain significance (2). Last evaluated 2024-05-13.

Conditions:
Cystic fibrosis (CF). Also called: MUCOVISCIDOSIS. Identifiers: Orphanet 586, MedGen C0010674, MONDO:0009061, OMIM 219700. Disease mechanism: loss of function.

Submissions (2):

Women's Health and Genetics/Laboratory Corporation of America, LabCorp
Classification: Uncertain significance. Last evaluated: 2024-05-13. Review status: criteria provided, single submitter. Criteria: LabCorp Variant Classification Summary - May 2015. Collection method: clinical testing. Allele origin: germline.

Ambry Genetics
Classification: Uncertain significance for Cystic fibrosis. Last evaluated: 2023-03-15. Review status: criteria provided, single submitter. Criteria: Ambry Variant Classification Scheme 2023. Collection method: clinical testing. Allele origin: germline.
Comment: The p.M1210L variant (also known as c.3628A>T), located in coding exon 22 of the CFTR gene, results from an A to T substitution at nucleotide position 3628. The methionine at codon 1210 is replaced by leucine, an amino acid with highly similar properties. This amino acid position is conserved. In addition, the in silico prediction for this alteration is inconclusive. Since supporting evidence is limited at this time, the clinical significance of this alteration remains unclear.

NM_000492.4(CFTR):c.3628A>T (p.Met1210Leu)

Genes: CFTR (CF transmembrane conductance regulator; plus strand), CFTR-AS2 (CFTR antisense RNA 2; minus strand). Cytogenetic location: 7q31.2.
Variant type: single nucleotide variant.
Coding change: c.3628A>T on transcript NM_000492.4 (MANE Select); coding-DNA position 3628, A replaced by T.
Protein change: p.Met1210Leu; replaces methionine 1210 with leucine.
Molecular consequence: missense variant.
Genome position (GRCh38, 1-based): chr7:117,627,681, A>T. VCF-style: chr7-117627681-A-T. GRCh37 (hg19) VCF-style: chr7-117267735-A-T.
Other names: short protein forms M1210L.
Identifiers: ClinVar variation 2567855 (VCV002567855.3), dbSNP rs151264397, ClinGen allele CA368997250.